The following is an entry in ClinVar:

ClinVar aggregate classification (germline): Conflicting classifications of pathogenicity. Review status: criteria provided, conflicting classifications (1 of 4 stars). 6 submissions from 6 submitters: Uncertain significance (1); Likely benign (5). Last evaluated 2026-07-01.

Conditions:
Malignant hyperthermia, susceptibility to, 5 (MHS5). Also called: CACNA1S-Related Malignant Hyperthermia Susceptibility. Identifiers: Orphanet 423, MedGen C1866077, MONDO:0011163, OMIM 601887.
Hypokalemic periodic paralysis, type 1. Also called: Hypokalemic Periodic Paralysis Type 1 (AD); HypoPP. Identifiers: Orphanet 681, MedGen C3714580, MONDO:0042979, OMIM 170400.
Thyrotoxic periodic paralysis, susceptibility to, 1 (TTPP1). Identifiers: Orphanet 79102, MedGen C2749982, MONDO:0008570, OMIM 188580.
Inborn genetic diseases. Identifiers: MedGen C0950123, MeSH D030342.

Allele frequency attached by ClinVar (database versions not stated): ExAC 0.00021; gnomAD 0.00003; TOPMed 0.00010.
gnomAD v4.1: 81 of 1,613,702 alleles (0.005%); highest among the groups gnomAD compares: Admixed American, 0.14%; no homozygotes.

Submissions (6):

Ambry Genetics
Classification: Likely benign for Inborn genetic diseases. Last evaluated: 2026-07-01. Review status: criteria provided, single submitter. Criteria: Ambry Variant Classification Scheme 2023. Collection method: clinical testing. Allele origin: germline.

Labcorp Genetics (formerly Invitae), Labcorp
Classification: Likely benign for Hypokalemic periodic paralysis, type 1; Malignant hyperthermia, susceptibility to, 5. Last evaluated: 2025-12-31. Review status: criteria provided, single submitter. Criteria: Invitae Variant Classification Sherloc (09022015). Collection method: clinical testing. Allele origin: germline.

GeneDx
Classification: Uncertain significance. Last evaluated: 2025-09-10. Review status: criteria provided, single submitter. Criteria: GeneDx Variant Classification Process June 2021. Collection method: clinical testing. Allele origin: germline.
Comment: In silico analysis supports that this missense variant has a deleterious effect on protein structure/function; Has not been previously published as pathogenic or benign to our knowledge

Color Diagnostics, LLC DBA Color Health
Classification: Likely benign for Malignant hyperthermia, susceptibility to, 5. Last evaluated: 2022-11-06. Review status: criteria provided, single submitter. Criteria: ACMG Guidelines, 2015. Collection method: clinical testing. Allele origin: germline.

Fulgent Genetics
Classification: Likely benign for Hypokalemic periodic paralysis, type 1; Thyrotoxic periodic paralysis, susceptibility to, 1; Malignant hyperthermia, susceptibility to, 5. Last evaluated: 2021-07-21. Review status: criteria provided, single submitter. Criteria: ACMG Guidelines, 2015. Collection method: clinical testing. Allele origin: unknown.

Breakthrough Genomics
Classification: Likely benign. Review status: criteria provided, single submitter. Criteria: ACMG Guidelines, 2015. Collection method: not provided. Allele origin: germline. Inheritance: Autosomal dominant inheritance. Affected: yes.

NM_000069.3(CACNA1S):c.3890G>A (p.Gly1297Glu)

Gene: CACNA1S (calcium voltage-gated channel subunit alpha1 S; minus strand). Cytogenetic location: 1q32.1.
Variant type: single nucleotide variant.
Coding change: c.3890G>A on transcript NM_000069.3 (MANE Select); coding-DNA position 3890, G replaced by A.
Protein change: p.Gly1297Glu; replaces glycine 1297 with glutamic acid.
Molecular consequence: missense variant.
Genome position (GRCh38, 1-based): chr1:201,052,620, C>T on the plus strand (G>A on the coding strand, the complement: CACNA1S is on the minus strand). VCF-style: chr1-201052620-C-T. GRCh37 (hg19) VCF-style: chr1-201021748-C-T.
Other names: short protein forms G1297E.
Identifiers: ClinVar variation 473992 (VCV000473992.18), dbSNP rs749856222, ClinGen allele CA082926.
Genomic context (GRCh38, chr1:201,052,620, plus strand): 5'-AAGAGCAGTAGCACAGCTTGTGGGAAGGTCTGGAAGTTGTTGTTCCGGTTTATTTGGGTC[C>T]CATCCACCAAGGCGATCTTCCCAAACATCTGCAAGTCACAAAGGGCCCTGACTGTGGAAC-3'
Protein context (NP_000060.2, residues 1287-1307): QMFGKIALVD[Gly1297Glu]TQINRNNNFQ